The following is an entry in ClinVar:

NM_006005.3(WFS1):c.2141_2164dup (p.Asn714_Asn721dup)

Gene: WFS1 (wolframin ER transmembrane glycoprotein; plus strand). Cytogenetic location: 4p16.1.
Variant type: Duplication.
Coding change: c.2141_2164dup on transcript NM_006005.3 (MANE Select); coding-DNA positions 2141 to 2164, 24 bases duplicated (ACAGCGCCGAGTCTGCCATCAACA).
Protein change: p.Asn714_Asn721dup.
Molecular consequence: inframe insertion.
Genome position (GRCh38, 1-based): chr4:6,301,936-6,301,959, ACAGCGCCGAGTCTGCCATCAACA duplicated; duplicating any 24 consecutive bases within chr4:6,301,933-6,301,959 gives the same sequence; the c. name uses the placement nearest the transcript's 3' end. VCF-style (leftmost placement, unchanged base first): chr4-6301932-G-GACAACAGCGCCGAGTCTGCCATCA. GRCh37 (hg19) VCF-style: chr4-6303659-G-GACAACAGCGCCGAGTCTGCCATCA.
Other names: c.2141_2164dup, p.Asn714_Asn721dup (NM_001145853.1).
Identifiers: ClinVar variation 1492631 (VCV001492631.6), dbSNP rs771936108, ClinGen allele CA549707912.
Genomic context (GRCh38, chr4:6,301,932, plus strand): 5'-CTGGAGGGCCACAGGGTCACGTGGACCGGCCGCTTCAAGTACGTCCGCGTGACTGACATC[G>GACAACAGCGCCGAGTCTGCCATCA]ACAACAGCGCCGAGTCTGCCATCAACATGCTCCCGTTCTTCATCGGCGACTGGATGCGCT-3'

ClinVar aggregate classification (germline): Uncertain significance (1 of 4 stars; one submission).

Submission:

Labcorp Genetics (formerly Invitae), Labcorp
Classification: Uncertain significance. Last evaluated: 2025-07-05. Review status: criteria provided, single submitter. Criteria: Invitae Variant Classification Sherloc (09022015). Collection method: clinical testing. Allele origin: germline.
Comment: This variant, c.2141_2164dup, results in the insertion of 8 amino acid(s) of the WFS1 protein (p.Asn714_Asn721dup), but otherwise preserves the integrity of the reading frame. This variant is present in population databases (no rsID available, gnomAD 0.003%). This variant has not been reported in the literature in individuals affected with WFS1-related conditions. ClinVar contains an entry for this variant (Variation ID: 1492631). In summary, the available evidence is currently insufficient to determine the role of this variant in disease. Therefore, it has been classified as a Variant of Uncertain Significance.